The following is an entry in ClinVar:

NM_133433.4(NIPBL):c.5440C>T (p.Arg1814Ter)

Gene: NIPBL (NIPBL cohesin loading factor; plus strand). Cytogenetic location: 5p13.2.
Variant type: single nucleotide variant.
Coding change: c.5440C>T on transcript NM_133433.4 (MANE Select); coding-DNA position 5440, C replaced by T.
Protein change: p.Arg1814Ter; replaces arginine 1814 with a stop codon.
Molecular consequence: nonsense.
Genome position (GRCh38, 1-based): chr5:37,022,256, C>T. VCF-style: chr5-37022256-C-T. GRCh37 (hg19) VCF-style: chr5-37022358-C-T.
Other names: c.5440C>T, p.Arg1814Ter (NM_015384.5); short protein forms R1814*.
Identifiers: ClinVar variation 96344 (VCV000096344.23), dbSNP rs80358362, ClinGen allele CA224028.

ClinVar aggregate classification (germline): Pathogenic. Review status: criteria provided, multiple submitters, no conflicts (2 of 4 stars). 5 submissions from 5 submitters: Pathogenic (4). 1 of the submissions does not count toward it. Last evaluated 2021-07-15.

Conditions:
Inborn genetic diseases. Identifiers: MedGen C0950123, MeSH D030342.
Cornelia de Lange syndrome 1 (CDLS1). Also called: NIPBL-Related Cornelia de Lange Syndrome; Brachmann de Lange syndrome; TYPUS DEGENERATIVUS AMSTELODAMENSIS. Identifiers: Orphanet 199, MedGen C4551851, MONDO:0007387, OMIM 122470.

Submissions (5):

Genome-Nilou Lab
Classification: Pathogenic for Cornelia de Lange syndrome 1. Last evaluated: 2021-07-15. Review status: criteria provided, single submitter. Criteria: ACMG Guidelines, 2015. Collection method: clinical testing. Allele origin: germline. Affected: no.

Labcorp Genetics (formerly Invitae), Labcorp
Classification: Pathogenic for Cornelia de Lange syndrome 1. Last evaluated: 2020-09-17. Review status: criteria provided, single submitter. Criteria: Invitae Variant Classification Sherloc (09022015). Collection method: clinical testing. Allele origin: germline.
Comment: For these reasons, this variant has been classified as Pathogenic. Loss-of-function variants in NIPBL are known to be pathogenic (PMID: 15318302, 19763162, 23505322, 29995837). This variant has been observed in individual(s) with clinical features of Cornelia de Lange syndrome (PMID: 25125236, 31157197). This variant is not present in population databases (ExAC no frequency). This sequence change creates a premature translational stop signal (p.Arg1814*) in the NIPBL gene. It is expected to result in an absent or disrupted protein product.

Ambry Genetics
Classification: Pathogenic for Inborn genetic diseases. Last evaluated: 2016-08-26. Review status: criteria provided, single submitter. Criteria: Ambry Variant Classification Scheme 2023. Collection method: clinical testing. Allele origin: germline.
Comment: The p.R1814* pathogenic mutation (also known as c.5440C>T), located in coding exon 28 of the NIPBL gene, results from a C to T substitution at nucleotide position 5440. This changes the amino acid from an arginine to a stop codon within coding exon 28. This mutation was reported in an individual with a Cornelia de Lange (CdLS) or CdLS-like phenotype; however specific clinical features were not provided (Ansari M et al. J. Med. Genet., 2014 Oct;51:659-68). In addition to the clinical data presented in the literature, this alteration is expected to result in loss of function by premature protein truncation or nonsense-mediated mRNA decay. As such, this alteration is interpreted as a disease-causing mutation.

Eurofins Ntd Llc (ga)
Classification: Pathogenic. Last evaluated: 2013-08-27. Review status: criteria provided, single submitter. Criteria: EGL Classification Definitions. Collection method: clinical testing. Allele origin: germline. Observed: 1 variant allele, 1 heterozygote.

Genetic Services Laboratory, University of Chicago
Classification: Pathogenic for Cornelia de Lange syndrome 1. Review status: no assertion criteria provided. Collection method: not provided. Allele origin: unknown. Not counted in ClinVar's aggregate classification.
ClinVar note: Converted during submission from pathogenic to Pathogenic.

Literature cited by the submitters: PubMed 15318302 (cited by Labcorp Genetics (formerly Invitae), Labcorp); PubMed 19763162 (cited by Labcorp Genetics (formerly Invitae), Labcorp); PubMed 23505322 (cited by Labcorp Genetics (formerly Invitae), Labcorp); PubMed 29995837 (cited by Labcorp Genetics (formerly Invitae), Labcorp); PubMed 25125236 (cited by Labcorp Genetics (formerly Invitae), Labcorp and Ambry Genetics); PubMed 31157197 (cited by Labcorp Genetics (formerly Invitae), Labcorp).